The following is an entry in ClinVar:

NM_000548.5(TSC2):c.1119+5G>A

Gene: TSC2 (TSC complex subunit 2; plus strand). Cytogenetic location: 16p13.3.
Variant type: single nucleotide variant.
Coding change: c.1119+5G>A on transcript NM_000548.5 (MANE Select); 5 bases into the intron after coding-DNA position 1119, G replaced by A.
Molecular consequence: intron variant.
Genome position (GRCh38, 1-based): chr16:2,060,818, G>A. VCF-style: chr16-2060818-G-A. GRCh37 (hg19) VCF-style: chr16-2110819-G-A.
Other names: c.-313+5G>A (NM_001406693.1, NM_001406689.1, NM_001406690.1 and 4 more transcripts); c.1209+5G>A (NM_001406667.1, NM_001406668.1); c.519+5G>A (NM_001406680.1, NM_001406683.1, NM_001406687.1 and 6 more transcripts); c.-489+5G>A (NM_001406698.1); c.1119+5G>A (NM_001114382.3, NM_001406663.1, NM_001406664.1 and 6 more transcripts); c.-194+5G>A (NM_001406694.1, NM_001406695.1); c.1107+5G>A (NM_001406671.1, NM_001406673.1); c.657+5G>A (NM_001406681.1); and 4 more.
Identifiers: ClinVar variation 2819755 (VCV002819755.3), dbSNP rs2086542949, ClinGen allele CA2731660829.

ClinVar aggregate classification (germline): Uncertain significance (1 of 4 stars; one submission).

Conditions:
Tuberous sclerosis 2 (TSC2). Identifiers: Orphanet 805, MedGen C1860707, MONDO:0013199, OMIM 613254.

Submission:

Labcorp Genetics (formerly Invitae), Labcorp
Classification: Uncertain significance for Tuberous sclerosis 2. Last evaluated: 2022-12-09. Review status: criteria provided, single submitter. Criteria: Invitae Variant Classification Sherloc (09022015). Collection method: clinical testing. Allele origin: germline.
Comment: This sequence change falls in intron 11 of the TSC2 gene. It does not directly change the encoded amino acid sequence of the TSC2 protein. It affects a nucleotide within the consensus splice site. This variant is not present in population databases (gnomAD no frequency). In summary, the available evidence is currently insufficient to determine the role of this variant in disease. Therefore, it has been classified as a Variant of Uncertain Significance. Variants that disrupt the consensus splice site are a relatively common cause of aberrant splicing (PMID: 17576681, 9536098). Algorithms developed to predict the effect of sequence changes on RNA splicing suggest that this variant may create or strengthen a splice site. This variant has not been reported in the literature in individuals affected with TSC2-related conditions.

Literature cited by the submitters: PubMed 17576681; PubMed 9536098.